The following is an entry in ClinVar:

NM_000459.5(TEK):c.2545C>T (p.Arg849Trp)

Gene: TEK (TEK receptor tyrosine kinase; plus strand). Cytogenetic location: 9p21.2.
Variant type: single nucleotide variant.
Coding change: c.2545C>T on transcript NM_000459.5 (MANE Select); coding-DNA position 2545, C replaced by T.
Protein change: p.Arg849Trp; replaces arginine 849 with tryptophan.
Molecular consequence: missense variant.
Genome position (GRCh38, 1-based): chr9:27,206,762, C>T. VCF-style: chr9-27206762-C-T. GRCh37 (hg19) VCF-style: chr9-27206760-C-T.
Other names: c.2416C>T, p.Arg806Trp (NM_001290077.2); c.2101C>T, p.Arg701Trp (NM_001290078.2); c.2542C>T, p.Arg848Trp (NM_001375475.1); c.2413C>T, p.Arg805Trp (NM_001375476.1); short protein forms R849W, R701W, R806W, R805W, R848W.
Identifiers: ClinVar variation 9293 (VCV000009293.25), dbSNP rs80338908, ClinGen allele CA340900.

ClinVar aggregate classification (germline): Pathogenic. Review status: criteria provided, multiple submitters, no conflicts (2 of 4 stars). 11 submissions from 11 submitters: Pathogenic (7). 4 of the submissions do not count toward it. Last evaluated 2025-09-09.

Conditions:
TEK-related disorder. Also called: TEK-related condition.
Multiple cutaneous and mucosal venous malformations (VMCM). Also called: TEK-Related Multiple Cutaneous and Mucosal Venous Malformations (VMCM). Identifiers: Orphanet 2451, MedGen C1838437, MONDO:0010842, OMIM 600195.
Abnormal cardiovascular system morphology. Also called: Abnormality of cardiovascular system morphology. Identifiers: MedGen C4049796, HP:0030680.
Segmental undergrowth associated with venous malformation without capillary component.

Allele frequency attached by ClinVar (database versions not stated): gnomAD exomes below 0.00001; TOPMed below 0.00001; gnomAD 0.00001.
gnomAD v4.1: 4 of 1,613,884 alleles (0.00025%); highest among the groups gnomAD compares: African/African-American, 0.0013%; no homozygotes.

Submissions (11):

3billion
Classification: Pathogenic for Multiple cutaneous and mucosal venous malformations. Last evaluated: 2025-09-09. Review status: criteria provided, single submitter. Criteria: ACMG Guidelines, 2015. Collection method: clinical testing. Allele origin: germline. Affected: yes.
Comment: The variant is observed at an extremely low frequency in the gnomAD v4.1.0 dataset (total allele frequency: <0.001%). Predicted Consequence/Location: Missense variant Functional studies provide moderate evidence of the variant having a damaging effect on the gene or gene product (PMID: 15526080). In silico tool predictions suggest damaging effect of the variant on gene or gene product [REVEL: 0.66 (>=0.6, sensitivity 0.68 and specificity 0.92); 3Cnet: 0.77 (> 0.75, sensitivity 0.96 and precision 0.92)]. The same nucleotide change resulting in the same amino acid change has been previously reported as pathogenic/likely pathogenic with strong evidence (ClinVar ID: VCV000009293 /PMID: 8980225). The variant has been reported to co-segregate with the disease in at least 5 similarly affected relatives/individuals in the same family or similarly affected unrelated families (PMID: 22621187). Therefore, this variant is classified as Pathogenic according to the recommendation of ACMG/AMP guideline.

Labcorp Genetics (formerly Invitae), Labcorp
Classification: Pathogenic. Last evaluated: 2024-10-17. Review status: criteria provided, single submitter. Criteria: Invitae Variant Classification Sherloc (09022015). Collection method: clinical testing. Allele origin: germline.
Comment: This sequence change replaces arginine, which is basic and polar, with tryptophan, which is neutral and slightly polar, at codon 849 of the TEK protein (p.Arg849Trp). The frequency data for this variant in the population databases is considered unreliable, as metrics indicate poor data quality at this position in the gnomAD database. This missense change has been observed in individual(s) with multiple cutaneous and mucosal venous malformations (PMID: 8980225). It has also been observed to segregate with disease in related individuals. ClinVar contains an entry for this variant (Variation ID: 9293). Invitae Evidence Modeling of protein sequence and biophysical properties (such as structural, functional, and spatial information, amino acid conservation, physicochemical variation, residue mobility, and thermodynamic stability) indicates that this missense variant is not expected to disrupt TEK protein function with a negative predictive value of 80%. Experimental studies have shown that this missense change affects TEK function (PMID: 8980225). For these reasons, this variant has been classified as Pathogenic.

Clinical Genomics Laboratory, Washington University in St. Louis
Classification: Pathogenic for Multiple cutaneous and mucosal venous malformations. Last evaluated: 2024-02-26. Review status: criteria provided, single submitter. Criteria: ACMG Guidelines, 2015. Collection method: clinical testing. Allele origin: somatic. Affected: yes.
Comment: The TEK c.2545C>T (p.Arg849Trp) variant was identified at an allelic fraction consistent with somatic origin. This variant has been identified in multiple individuals with venous malformations (Vikkula M et al., PMID: 8980225; Wouters V et al., PMID: 19888299; Paolacci S et al., PMID: 33105631). This variant has been reported in the ClinVar database as a pathogenic variant in both a germline and somatic state by multiple submitters (Clinvar Variation ID: 9293). This variant is only observed on 4/1,613,884 alleles in the general population (gnomAD v.4.0.0), indicating it is not a common variant. The TEK c.2545C>T (p.Arg849Trp) variant resides within the kinase domain of TIE2, an endothelium-specific receptor tyrosine kinase that is a critical functional domain (Shewchuk LM et al., PMID: 11080633). Computational predictors indicate that this variant is damaging, evidence that correlates with impact to TEK function. In support of this prediction, functional studies show that overexpression of full-length receptors with this variant in insect cells result in an increased autophosphorylation activity (Vikkula M et al., PMID: 8980225). Based on an internally developed protocol informed by the ACMG/AMP guidelines (Richards S et al., PMID: 25741868), the TEK c.2545C>T (p.Arg849Trp) variant is classified as pathogenic.

Blueprint Genetics
Classification: Pathogenic for TEK-related disorders. Last evaluated: 2023-08-11. Review status: criteria provided, single submitter. Criteria: ACMG Guidelines, 2015. Collection method: clinical testing. Allele origin: germline. Affected: yes. Observed: 5 variant alleles.

Clinical Genetics Laboratory, Skane University Hospital Lund
Classification: Pathogenic. Last evaluated: 2022-05-27. Review status: criteria provided, single submitter. Criteria: ACMG Guidelines, 2015. Collection method: clinical testing. Allele origin: germline. Affected: yes.

Institute of Medical and Molecular Genetics, Hospital Universitario La Paz
Classification: Pathogenic for Segmental undergrowth associated with venous malformation without capillary component. Last evaluated: 2021-04-06. Review status: criteria provided, single submitter. Criteria: ACMG Guidelines, 2015. Collection method: clinical testing. Allele origin: somatic. Affected: yes. Observed: 1 variant allele.

ARUP Laboratories, Molecular Genetics and Genomics, ARUP Laboratories
Classification: Pathogenic. Last evaluated: 2020-02-27. Review status: criteria provided, single submitter. Criteria: ARUP Molecular Germline Variant Investigation Process. Collection method: clinical testing. Allele origin: germline.
Comment: The TEK c.2545C>T; p.Arg849Trp variant (rs80338908) is reported in the literature segregating with disease in several large families affected with venous malformations (Shu 2012, Vikkula 1996). This variant is reported in ClinVar (Variation ID: 9293), and is only observed on one allele in the Genome Aggregation Database, indicating it is not a common polymorphism. The arginine at codon 849 is highly conserved, and computational analyses (SIFT, PolyPhen-2) predict that this variant is deleterious. In vitro functional analyses show kinase activation leading to constitutive phosphorylation and suppression of apoptosis (Morris 2005, Vikkula 1996), and in vivo analyses of the variant protein demonstrate venous malformations in zebrafish (Du 2018). Based on available information, this variant is considered to be pathogenic. References: Du Z et al. Transgenic Expression of A Venous Malformation Related Mutation, TIE2-R849W, Significantly Induces Multiple Malformations of Zebrafish. Int J Med Sci. 2018 Feb 12;15(4):385-394. Morris PN et al. Functional analysis of a mutant form of the receptor tyrosine kinase Tie2 causing venous malformations. J Mol Med (Berl). 2005 Jan;83(1):58-63. Shu W et al. Cutaneomucosal venous malformations are linked to the TIE2 mutation in a large Chinese family. Exp Dermatol. 2012 Jun;21(6):456-7. Vikkula M et al. Vascular dysmorphogenesis caused by an activating mutation in the receptor tyrosine kinase TIE2. Cell. 1996 Dec 27;87(7):1181-90.

PreventionGenetics, part of Exact Sciences
Classification: Pathogenic for TEK-related condition. Last evaluated: 2024-08-16. Review status: no assertion criteria provided. Collection method: clinical testing. Allele origin: germline. Not counted in ClinVar's aggregate classification.
Comment: The TEK c.2545C>T variant is predicted to result in the amino acid substitution p.Arg849Trp. This variant was reported in at least 60 individuals in at least 10 unrelated families with venous malformation (Vikkula et al. 1996. PubMed ID: 8980225; Wouters et al. 2009. PubMed ID: 19888299). Functional studies show this variant causes increased receptor hyperphosphorylation and inhibits apoptosis (Wouters et al. 2009. PubMed ID: 19888299; Morris et al. 2004. PubMed ID: 15526080). This variant is reported in 0.00088% of alleles in individuals of European (Non-Finnish) descent in gnomAD. This variant is interpreted as pathogenic.

OMIM
Classification: Pathogenic for VENOUS MALFORMATIONS, MULTIPLE CUTANEOUS AND MUCOSAL. Last evaluated: 2010-04-01. Review status: no assertion criteria provided. Collection method: literature only. Allele origin: unknown. Not counted in ClinVar's aggregate classification.

GeneReviews
No classification provided. Condition: Multiple cutaneous and mucosal venous malformations. Review status: no classification provided. Collection method: literature only. Allele origin: unknown. Not counted in ClinVar's aggregate classification.

MAGI's Lab - Research, MAGI Group
Classification: Pathogenic for Abnormal cardiovascular system morphology. Review status: no assertion criteria provided. Collection method: provider interpretation. Allele origin: somatic. Affected: yes. Not counted in ClinVar's aggregate classification.

Literature cited by the submitters: PubMed 22621187 (cited by 3billion); PubMed 8980225 (cited by 4 submitters); PubMed 15526080 (cited by 3billion); PubMed 7833915 (cited by OMIM); PubMed 7783168 (cited by OMIM); PubMed 10369874 (cited by OMIM); PubMed 19888299 (cited by OMIM); PubMed 26319232 (cited by OMIM); PubMed 8415706 (cited by GeneReviews); PubMed 9926914 (cited by GeneReviews); PubMed 20301733 (cited by GeneReviews); NCBI Bookshelf NBK1967 (cited by GeneReviews).